The following is an entry in ClinVar:

NM_001369268.1(ACAN):c.4347C>T (p.Ser1449=)

Gene: ACAN (aggrecan; plus strand). Cytogenetic location: 15q26.1.
Variant type: single nucleotide variant.
Coding change: c.4347C>T on transcript NM_001369268.1 (MANE Select); coding-DNA position 4347, C replaced by T.
Protein change: p.Ser1449=; no amino-acid change (serine 1449 retained).
Molecular consequence: synonymous variant.
Genome position (GRCh38, 1-based): chr15:88,856,932, C>T. VCF-style: chr15-88856932-C-T. GRCh37 (hg19) VCF-style: chr15-89400163-C-T.
Other names: c.4347C>T, p.Ser1449= (NM_001135.4, NM_013227.4).
Identifiers: ClinVar variation 284612 (VCV000284612.20), dbSNP rs60790354, ClinGen allele CA7720025.
Genomic context (GRCh38, chr15:88,856,932, plus strand): 5'-CAGTGGGCTTCCTTCTGGAGAAGTTCTAGAGACTACTGCCCCTGGAGTAGAGGAGATCAG[C>T]GGGCTTCCTTCTGGAGAAGTTCTAGAGACTTCTACCTCTGCGGTAGGGGACCTCAGTGGA-3'
Protein context (NP_001356197.1, residues 1439-1459): ETTAPGVEEI[Ser1449=]GLPSGEVLET

ClinVar aggregate classification (germline): Benign/Likely benign. Review status: criteria provided, multiple submitters, no conflicts (2 of 4 stars). 3 submissions from 3 submitters: Benign (1); Likely benign (2). Last evaluated 2024-10-01.

Allele frequency attached by ClinVar (database versions not stated): gnomAD exomes 0.00021 and 0.00050; ExAC 0.00060; gnomAD 0.00175 and 0.00177; ESP Exome Variant Server 0.00194; TOPMed 0.00210; 1000 Genomes Project 30x 0.00265; 1000 Genomes Project 0.00300.
gnomAD v4.1: 577 of 1,611,838 alleles (0.036%); highest among the groups gnomAD compares: African/African-American, 0.64%; 3 homozygotes.

Submissions (3):

CeGaT Center for Human Genetics Tuebingen
Classification: Likely benign. Last evaluated: 2024-10-01. Review status: criteria provided, single submitter. Criteria: CeGaT Center For Human Genetics Tuebingen Variant Classification Criteria Version 2. Collection method: clinical testing. Allele origin: germline. Affected: yes. Observed: 1 variant allele.
Comment: ACAN: BP4, BP7

Blueprint Genetics
Classification: Likely benign. Last evaluated: 2024-08-15. Review status: criteria provided, single submitter. Criteria: ACMG Guidelines, 2015. Collection method: clinical testing. Allele origin: germline.

Eurofins Ntd Llc (ga)
Classification: Benign. Last evaluated: 2015-11-18. Review status: criteria provided, single submitter. Criteria: EGL Classification Definitions 2015. Collection method: clinical testing. Allele origin: germline. Observed: 1 variant allele, 1 heterozygote.